The following is an entry in ClinVar:

ClinVar aggregate classification (germline): Pathogenic/Likely pathogenic. Review status: criteria provided, multiple submitters, no conflicts (2 of 4 stars). 3 submissions from 3 submitters: Pathogenic (1); Likely pathogenic (2). Last evaluated 2019-07-06.

Conditions:
Renal cysts and diabetes syndrome (RCAD). Also called: MATURITY-ONSET DIABETES OF THE YOUNG, TYPE 5; Familial hypoplastic, glomerulocystic kidney. Identifiers: Orphanet 93111, MedGen C0431693, MONDO:0007669, OMIM 137920.
Maturity-onset diabetes of the young (MODY). Also called: Maturity onset diabetes mellitus in young. Identifiers: Orphanet 552, MedGen C0342276, MONDO:0018911, HP:0004904.

Submissions (3):

Institute of Human Genetics, FAU Erlangen, Friedrich-Alexander-Universität Erlangen-Nürnberg
Classification: Pathogenic for Renal cysts and diabetes syndrome. Last evaluated: 2019-07-06. Review status: criteria provided, single submitter. Criteria: ACMG Guidelines, 2015. Collection method: literature only. Allele origin: germline. Affected: yes.
Comment: This variant and it's classification has been reported by Vasileiou et al. 2019; DOI:10.1101/576918. The variants has previously been reported in ClinVar:36848 as "NM_000458.3(HNF1B):c.345-1G>T" with clinical significance Likely pathogenic. It has been re-classified using InterVar and manual curation as Pathogenic based on PVS1 PM2 PP3.

Women's Health and Genetics/Laboratory Corporation of America, LabCorp
Classification: Likely pathogenic for MODY5. Last evaluated: 2011-08-18. Review status: criteria provided, single submitter. Criteria: LabCorp Variant Classification Summary - May 2015. Collection method: curation, clinical testing. Allele origin: germline. Inheritance: autosomal unknown. Affected: yes.
ClinVar note: Converted during submission from likely pathogenic to Likely pathogenic.

Clinical Genomics, Uppaluri K&H Personalized Medicine Clinic
Classification: Likely pathogenic for Maturity-onset diabetes of the young. Review status: criteria provided, single submitter. Criteria: K & H Uppaluri Personalized Medicine Clinic Variant Classification & Assertion Criteria_Updated V.1. Collection method: research. Allele origin: unknown. Inheritance: Autosomal dominant inheritance.
Comment: HNF1B gene mutations are associated with early onset diabetes and pancreatic atrophy. It is also associated with multiple renal manifestations including renal cysts, Tubulointerstitial disease, glomerulocystic disease, renal hypoplasia, hypomagnesemia.However no sufficient evidence is found to ascertain the role of this particular variant rs193922488, yet.

Literature cited by the submitters: DOI 10.1101/576918 (cited by Institute of Human Genetics, FAU Erlangen, Friedrich-Alexander-Universität Erlangen-Nürnberg); PubMed 24897035 (cited by Clinical Genomics, Uppaluri K&H Personalized Medicine Clinic); PubMed 25536396 (cited by Clinical Genomics, Uppaluri K&H Personalized Medicine Clinic); PubMed 27615128 (cited by Clinical Genomics, Uppaluri K&H Personalized Medicine Clinic); PubMed 28215227 (cited by Clinical Genomics, Uppaluri K&H Personalized Medicine Clinic); PubMed 33434175 (cited by Clinical Genomics, Uppaluri K&H Personalized Medicine Clinic); PubMed 25741167 (cited by Clinical Genomics, Uppaluri K&H Personalized Medicine Clinic); PubMed 26340261 (cited by Clinical Genomics, Uppaluri K&H Personalized Medicine Clinic); PubMed 19639018 (cited by Clinical Genomics, Uppaluri K&H Personalized Medicine Clinic).

NM_000458.4(HNF1B):c.345-1G>T

Gene: HNF1B (HNF1 homeobox B; minus strand). Cytogenetic location: 17q12.
Variant type: single nucleotide variant.
Coding change: c.345-1G>T on transcript NM_000458.4 (MANE Select); the canonical splice acceptor site of the intron before coding-DNA position 345, G replaced by T.
Molecular consequence: splice acceptor variant.
Genome position (GRCh38, 1-based): chr17:37,739,640, C>A on the plus strand (G>T on the coding strand, the complement: HNF1B is on the minus strand). VCF-style: chr17-37739640-C-A. GRCh37 (hg19) VCF-style: chr17-36099631-C-A.
Other names: c.345-1G>T (NM_001411100.1, NM_001304286.2, NM_001165923.4).
Identifiers: ClinVar variation 36848 (VCV000036848.6), dbSNP rs193922488, ClinGen allele CA214359.